The following is an entry in ClinVar:

NM_001101426.4(CRPPA):c.990C>G (p.Ile330Met)

Genes: CRPPA (CDP-L-ribitol pyrophosphorylase A; minus strand), CRPPA-AS1 (CRPPA antisense RNA 1; plus strand). Cytogenetic location: 7p21.2.
Variant type: single nucleotide variant.
Coding change: c.990C>G on transcript NM_001101426.4 (MANE Select); coding-DNA position 990, C replaced by G.
Protein change: p.Ile330Met; replaces isoleucine 330 with methionine.
Molecular consequence: missense variant. On other transcripts: non-coding transcript variant (1).
Genome position (GRCh38, 1-based): chr7:16,258,956, G>C on the plus strand (C>G on the coding strand, the complement: CRPPA is on the minus strand). VCF-style: chr7-16258956-G-C. GRCh37 (hg19) VCF-style: chr7-16298581-G-C.
Other names: c.840C>G, p.Ile280Met (NM_001101417.4); c.885C>G, p.Ile295Met (NM_001368197.1); short protein forms I330M, I295M, I280M.
Identifiers: ClinVar variation 574208 (VCV000574208.8), dbSNP rs373422736, ClinGen allele CA4169429.
Genomic context (GRCh38, chr7:16,258,956, plus strand): 5'-CTTCAATCATTTGAATTGACTTACATTCACACAAACAAAATTGTAGCATTGATCTAAGAT[G>C]ATTTGCTGAAGATGTCTGCCAGCATGACCCAGAGCCTCAGATGTGACTTTTACATGCTAG-3'
Protein context (NP_001094896.1, residues 320-340): LGHAGRHLQQ[Ile330Met]ILDQCYNFVC

ClinVar aggregate classification (germline): Uncertain significance. Review status: criteria provided, multiple submitters, no conflicts (2 of 4 stars). 2 submissions from 2 submitters: Uncertain significance (2). Last evaluated 2025-07-15.

Conditions:
Autosomal recessive limb-girdle muscular dystrophy type 2U. Also called: MUSCULAR DYSTROPHY, LIMB-GIRDLE, TYPE 2U; Muscular dystrophy-dystroglycanopathy (limb-girdle), type c, 7. Identifiers: Orphanet 352479, MedGen C5190987, MONDO:0014474, OMIM 616052.
Muscular dystrophy-dystroglycanopathy (congenital with brain and eye anomalies), type A, 7. Also called: WALKER-WARBURG SYNDROME OR MUSCLE-EYE-BRAIN DISEASE, ISPD-RELATED; Congenital muscular dystrophy-dystroglycanopathy with brain and eye anomalies, type A7. Identifiers: Orphanet 899, MedGen C3553330, MONDO:0013835, OMIM 614643.

Allele frequency attached by ClinVar (database versions not stated): gnomAD exomes 0.00002; ExAC 0.00003; gnomAD 0.00007 and 0.00008; ESP Exome Variant Server 0.00008; TOPMed 0.00008.
gnomAD v4.1: 19 of 1,611,022 alleles (0.0012%); highest among the groups gnomAD compares: African/African-American, 0.025%; no homozygotes.

Submissions (2):

Ambry Genetics
Classification: Uncertain significance. Last evaluated: 2025-07-15. Review status: criteria provided, single submitter. Criteria: Ambry Variant Classification Scheme 2023. Collection method: clinical testing. Allele origin: germline.

Labcorp Genetics (formerly Invitae), Labcorp
Classification: Uncertain significance for Muscular dystrophy-dystroglycanopathy (congenital with brain and eye anomalies), type A, 7; Autosomal recessive limb-girdle muscular dystrophy type 2U. Last evaluated: 2024-10-29. Review status: criteria provided, single submitter. Criteria: Invitae Variant Classification Sherloc (09022015). Collection method: clinical testing. Allele origin: germline.
Comment: This sequence change replaces isoleucine, which is neutral and non-polar, with methionine, which is neutral and non-polar, at codon 330 of the ISPD protein (p.Ile330Met). This variant is present in population databases (rs373422736, gnomAD 0.03%). This variant has not been reported in the literature in individuals affected with ISPD-related conditions. ClinVar contains an entry for this variant (Variation ID: 574208). Invitae Evidence Modeling of protein sequence and biophysical properties (such as structural, functional, and spatial information, amino acid conservation, physicochemical variation, residue mobility, and thermodynamic stability) indicates that this missense variant is not expected to disrupt ISPD protein function with a negative predictive value of 80%. In summary, the available evidence is currently insufficient to determine the role of this variant in disease. Therefore, it has been classified as a Variant of Uncertain Significance.